The following is an entry in ClinVar:

ClinVar aggregate classification (germline): Benign (0 of 4 stars; one submission).

Conditions:
ITSN1-related disorder. Also called: ITSN1-related condition.

Allele frequency attached by ClinVar (database versions not stated): gnomAD exomes 0.00090; ExAC 0.00303; gnomAD 0.00877; 1000 Genomes Project 0.00879; 1000 Genomes Project 30x 0.00890; TOPMed 0.01026; ESP Exome Variant Server 0.01115.
gnomAD v4.1: 2,722 of 1,613,062 alleles (0.17%); highest among the groups gnomAD compares: African/African-American, 3.2%; 46 homozygotes.

Submissions (2):

PreventionGenetics, part of Exact Sciences
Classification: Benign for ITSN1-related condition. Last evaluated: 2019-06-07. Review status: no assertion criteria provided. Collection method: clinical testing. Allele origin: germline.
Comment: This variant is classified as benign based on ACMG/AMP sequence variant interpretation guidelines (Richards et al. 2015 PMID: 25741868, with internal and published modifications).

Dr. Peter K. Rogan Lab, Western University
No classification provided (evidence only). Condition: Cervical cancer. Review status: no classification provided. Collection method: in vitro. Allele origin: not applicable. Functional consequence: retained intron. Not counted in ClinVar's aggregate classification.

NM_003024.3(ITSN1):c.4555-8C>A

Gene: ITSN1 (intersectin 1; plus strand). Cytogenetic location: 21q22.11.
Variant type: single nucleotide variant.
Coding change: c.4555-8C>A on transcript NM_003024.3 (MANE Select); 8 bases into the intron before coding-DNA position 4555, C replaced by A.
Molecular consequence: intron variant.
Genome position (GRCh38, 1-based): chr21:33,883,542, C>A. VCF-style: chr21-33883542-C-A. GRCh37 (hg19) VCF-style: chr21-35255846-C-A.
Other names: NC_000021.8:g.35255846C>A; c.4540-8C>A (NM_001331010.2).
Identifiers: ClinVar variation 3044621 (VCV003044621.3), dbSNP rs80252956, ClinGen allele CA10012462.
Genomic context (GRCh38, chr21:33,883,542, plus strand): 5'-CACTCACGGTTTACCGGAGCACACAGACCCCCAGCCTCGCTTTGTAATGCCTGTGTGTTA[C>A]TTTCCAGCCTATTTTCCTAAATGAGGTTCTAGTAAAATTACCCACCGACCCTTCTGGAGA-3'